The following is an entry in ClinVar:

NM_022356.4(P3H1):c.2062del (p.Val688fs)

Gene: P3H1 (prolyl 3-hydroxylase 1; minus strand). Cytogenetic location: 1p34.2.
Variant type: Deletion.
Coding change: c.2062del on transcript NM_022356.4 (MANE Select); coding-DNA position 2062, one base deleted (G; older notation c.2062delG).
Protein change: p.Val688fs; shifts the reading frame from valine 688.
Molecular consequence: frameshift variant. On other transcripts: 3 prime UTR variant (1).
Genome position (GRCh38, 1-based): chr1:42,746,846, C deleted on the plus strand (G on the coding strand, the reverse complement: P3H1 is on the minus strand); the first of 3 consecutive C bases (chr1:42,746,846-42,746,848); deleting any one gives the same sequence. VCF-style (leftmost placement, unchanged base first): chr1-42746845-AC-A. GRCh37 (hg19) VCF-style: chr1-43212516-AC-A.
Other names: c.2081del, p.Gly694fs (NM_001146289.2); c.*66del (NM_001243246.2); c.2062delG (NM_022356.4); short protein forms G694fs, V688fs.
Identifiers: ClinVar variation 3584051 (VCV003584051.4).

ClinVar aggregate classification (germline): Pathogenic/Likely pathogenic. Review status: criteria provided, multiple submitters, no conflicts (2 of 4 stars). 3 submissions from 3 submitters: Pathogenic (1); Likely pathogenic (2). Last evaluated 2025-05-28.

Conditions:
Osteogenesis imperfecta type 8 (OI8). Identifiers: MedGen C1970458, MONDO:0012581, OMIM 610915.

Submissions (3):

First Genomix Gene Laboratory, Genetic Diagnostics Department
Classification: Likely pathogenic for Osteogenesis imperfecta type 8. Last evaluated: 2025-05-28. Review status: criteria provided, single submitter. Criteria: ACMG Guidelines, 2015. Collection method: clinical testing. Allele origin: germline. Inheritance: Autosomal recessive inheritance. Affected: no. Observed: 1 variant allele.

Fulgent Genetics
Classification: Likely pathogenic for Osteogenesis imperfecta type 8. Last evaluated: 2024-03-12. Review status: criteria provided, single submitter. Criteria: ACMG Guidelines, 2015. Collection method: clinical testing. Allele origin: germline.

Labcorp Genetics (formerly Invitae), Labcorp
Classification: Pathogenic for Osteogenesis imperfecta type 8. Last evaluated: 2024-02-08. Review status: criteria provided, single submitter. Criteria: Invitae Variant Classification Sherloc (09022015). Collection method: clinical testing. Allele origin: germline.
Comment: This sequence change creates a premature translational stop signal (p.Val688Cysfs*7) in the P3H1 gene. While this is not anticipated to result in nonsense mediated decay, it is expected to disrupt the last 49 amino acid(s) of the P3H1 protein. This variant is not present in population databases (gnomAD no frequency). This variant has not been reported in the literature in individuals affected with P3H1-related conditions. This variant disrupts the KDEL domain (p.Lys733-p.Leu736) of the P3H1 protein that is required for the cellular retention and activity of certain types of proteins (PMID: 3545499). This variant disrupts a region of the P3H1 protein in which other variant(s) (p.Gln722*) have been determined to be pathogenic (PMID: 27864101). This suggests that this is a clinically significant region of the protein, and that variants that disrupt it are likely to be disease-causing. For these reasons, this variant has been classified as Pathogenic.

Literature cited by the submitters: PubMed 3545499 (cited by Labcorp Genetics (formerly Invitae), Labcorp); PubMed 27864101 (cited by Labcorp Genetics (formerly Invitae), Labcorp).